The following is an entry in ClinVar:

NM_022464.5(SIL1):c.772_773insGACC (p.Pro258fs)

Gene: SIL1 (SIL1 nucleotide exchange factor; minus strand). Cytogenetic location: 5q31.2.
Variant type: Insertion.
Coding change: c.772_773insGACC on transcript NM_022464.5 (MANE Select); coding-DNA positions 772 to 773, GACC inserted.
Protein change: p.Pro258fs; shifts the reading frame from proline 258.
Molecular consequence: frameshift variant.
Genome position: GRCh38 VCF-style: chr5-138951879-G-GGGTC. GRCh37 (hg19) VCF-style: chr5-138287568-G-GGGTC.
Other names: c.772_773insGACC, p.Pro258fs (NM_001037633.2); short protein forms P258fs.
Identifiers: ClinVar variation 4291789 (VCV004291789.1).

ClinVar aggregate classification (germline): Pathogenic (1 of 4 stars; one submission).

Conditions:
Marinesco-Sjögren syndrome (MSS). Also called: Marinesco-Sjogren Syndrome; Marinesco-SjÃ¶gren syndrome. Identifiers: Orphanet 559, MedGen C0024814, MONDO:0009567, OMIM 248800.

Submission:

3billion
Classification: Pathogenic for Marinesco-Sjögren syndrome. Last evaluated: 2024-09-29. Review status: criteria provided, single submitter. Criteria: ACMG Guidelines, 2015. Collection method: clinical testing. Allele origin: germline. Affected: yes.
Comment: The variant is observed at an extremely low frequency in the gnomAD v4.1.0 dataset (total allele frequency: <0.001%). Predicted Consequence/Location: Frameshift: predicted to result in a loss or disruption of normal protein function through nonsense-mediated decay (NMD) or protein truncation. Multiple pathogenic variants are reported downstream of the variant. Therefore, this variant is classified as Pathogenic according to the recommendation of ACMG/AMP guideline.